The following is an entry in ClinVar:

NM_001903.5(CTNNA1):c.2519C>G (p.Ser840Cys)

Gene: CTNNA1 (catenin alpha 1; plus strand). Cytogenetic location: 5q31.2.
Variant type: single nucleotide variant.
Coding change: c.2519C>G on transcript NM_001903.5 (MANE Select); coding-DNA position 2519, C replaced by G.
Protein change: p.Ser840Cys; replaces serine 840 with cysteine.
Molecular consequence: missense variant. On other transcripts: 3 prime UTR variant (5).
Genome position (GRCh38, 1-based): chr5:138,933,887, C>G. VCF-style: chr5-138933887-C-G. GRCh37 (hg19) VCF-style: chr5-138269576-C-G.
Other names: c.*64C>G (NM_001290307.3, NM_001324002.1, NM_001324003.1 and 2 more transcripts); c.2210C>G, p.Ser737Cys (NM_001290309.3); c.2150C>G, p.Ser717Cys (NM_001290310.3); c.1409C>G, p.Ser470Cys (NM_001290312.1, NM_001323987.1, NM_001323988.1 and 12 more transcripts); c.2519C>G, p.Ser840Cys (NM_001323982.2, NM_001323983.1, NM_001323984.2); c.2492C>G, p.Ser831Cys (NM_001323985.2); c.2426C>G, p.Ser809Cys (NM_001323986.2); c.1274C>G, p.Ser425Cys (NM_001324001.1); and 3 more; short protein forms S389C, S840C, S357C, S425C, S470C, S717C, S737C, S809C.
Identifiers: ClinVar variation 1034882 (VCV001034882.9), dbSNP rs1765980974, ClinGen allele CA361135311.

ClinVar aggregate classification (germline): Uncertain significance (1 of 4 stars; one submission).

Submission:

Labcorp Genetics (formerly Invitae), Labcorp
Classification: Uncertain significance. Last evaluated: 2020-02-11. Review status: criteria provided, single submitter. Criteria: Invitae Variant Classification Sherloc (09022015). Collection method: clinical testing. Allele origin: germline.
Comment: This variant is not present in population databases (ExAC no frequency). This variant has not been reported in the literature in individuals with CTNNA1-related conditions. Algorithms developed to predict the effect of missense changes on protein structure and function are either unavailable or do not agree on the potential impact of this missense change (SIFT: "Deleterious"; PolyPhen-2: "Probably Damaging"; Align-GVGD: "Class C0"). In summary, the available evidence is currently insufficient to determine the role of this variant in disease. Therefore, it has been classified as a Variant of Uncertain Significance. This sequence change replaces serine with cysteine at codon 840 of the CTNNA1 protein (p.Ser840Cys). The serine residue is highly conserved and there is a moderate physicochemical difference between serine and cysteine.